The following is an entry in ClinVar:

NM_152383.5(DIS3L2):c.1748A>G (p.Glu583Gly)

Gene: DIS3L2 (DIS3 like 3'-5' exoribonuclease 2; plus strand). Cytogenetic location: 2q37.1.
Variant type: single nucleotide variant.
Coding change: c.1748A>G on transcript NM_152383.5 (MANE Select); coding-DNA position 1748, A replaced by G.
Protein change: p.Glu583Gly; replaces glutamic acid 583 with glycine.
Molecular consequence: missense variant. On other transcripts: intron variant (1).
Genome position (GRCh38, 1-based): chr2:232,329,821, A>G. VCF-style: chr2-232329821-A-G. GRCh37 (hg19) VCF-style: chr2-233194531-A-G.
Other names: c.1582-13524A>G (NM_001257281.2); short protein forms E583G.
Identifiers: ClinVar variation 578207 (VCV000578207.8), dbSNP rs1559216105, ClinGen allele CA350975931.

ClinVar aggregate classification (germline): Uncertain significance (1 of 4 stars; one submission).

Conditions:
Perlman syndrome (PRLMNS). Identifiers: Orphanet 2849, MedGen C0796113, MONDO:0009965, OMIM 267000.

Submission:

Labcorp Genetics (formerly Invitae), Labcorp
Classification: Uncertain significance for Perlman syndrome. Last evaluated: 2018-02-23. Review status: criteria provided, single submitter. Criteria: Invitae Variant Classification Sherloc (09022015). Collection method: clinical testing. Allele origin: germline.
Comment: This sequence change replaces glutamic acid with glycine at codon 583 of the DIS3L2 protein (p.Glu583Gly). The glutamic acid residue is highly conserved and there is a moderate physicochemical difference between glutamic acid and glycine. This variant is not present in population databases (ExAC no frequency). This variant has not been reported in the literature in individuals with DIS3L2-related disease. Algorithms developed to predict the effect of missense changes on protein structure and function (SIFT, PolyPhen-2, Align-GVGD) all suggest that this variant is likely to be disruptive, but these predictions have not been confirmed by published functional studies and their clinical significance is uncertain. In summary, the available evidence is currently insufficient to determine the role of this variant in disease. Therefore, it has been classified as a Variant of Uncertain Significance.